The following is an entry in ClinVar:

NM_053025.4(MYLK):c.3393dup (p.Thr1132fs)

Gene: MYLK (myosin light chain kinase; minus strand). Cytogenetic location: 3q21.1.
Variant type: Duplication.
Coding change: c.3393dup on transcript NM_053025.4 (MANE Select); coding-DNA position 3393, one base duplicated (G; older notation c.3393dupG).
Protein change: p.Thr1132fs; shifts the reading frame from threonine 1132.
Molecular consequence: frameshift variant.
Genome position (GRCh38, 1-based): chr3:123,700,075, C duplicated on the plus strand (G on the coding strand, the reverse complement: MYLK is on the minus strand); the first of 2 consecutive C bases (chr3:123,700,075-123,700,076); duplicating either gives the same sequence. VCF-style (leftmost placement, unchanged base first): chr3-123700074-T-TC. GRCh37 (hg19) VCF-style: chr3-123418921-T-TC.
Other names: c.2865dup, p.Thr956fs (NM_001321309.2); c.3186dup, p.Thr1063fs (NM_053026.4, NM_053028.4); c.3393dup, p.Thr1132fs (NM_053027.4); short protein forms T1063fs, T1132fs, T956fs.
Identifiers: ClinVar variation 1320358 (VCV001320358.7), dbSNP rs2108576783, ClinGen allele CA2573052062.

ClinVar aggregate classification (germline): Conflicting classifications of pathogenicity. Review status: criteria provided, conflicting classifications (1 of 4 stars). 3 submissions from 3 submitters: Pathogenic (2); Uncertain significance (1). Last evaluated 2026-02-11.

Conditions:
Aortic aneurysm, familial thoracic 7 (AAT7). Also called: AORTIC DISSECTION, FAMILIAL, WITH OR WITHOUT AORTIC ANEURYSM. Identifiers: MedGen C3151077, MONDO:0013418, OMIM 613780.

Submissions (3):

GeneDx
Classification: Pathogenic. Last evaluated: 2026-02-11. Review status: criteria provided, single submitter. Criteria: GeneDx Variant Classification Process June 2021. Collection method: clinical testing. Allele origin: germline. Affected: yes.
Comment: Not observed at significant frequency in large population cohorts (gnomAD); Has not been previously published as pathogenic or benign to our knowledge; Frameshift variant predicted to result in protein truncation or nonsense mediated decay. Located in the smooth muscle isoform, where other loss-of-function variants associated with autosomal dominant TAAD and autosomal recessive MMIHS have been reported (PMID: 24077912, 21055718); This variant is associated with the following publications: (PMID: 24077912, 21055718)

Labcorp Genetics (formerly Invitae), Labcorp
Classification: Pathogenic for Aortic aneurysm, familial thoracic 7. Last evaluated: 2023-12-04. Review status: criteria provided, single submitter. Criteria: Invitae Variant Classification Sherloc (09022015). Collection method: clinical testing. Allele origin: germline.
Comment: This sequence change creates a premature translational stop signal (p.Thr1132Aspfs*32) in the MYLK gene. This variant occurs within the aortic-specific isoform of MYLK. Loss-of-function variants in the aortic-specific isoform of MYLK are known to be pathogenic for thoracic aortic dissections (PMID: 21055718). This variant is not present in population databases (gnomAD no frequency). This variant has not been reported in the literature in individuals affected with MYLK-related conditions. ClinVar contains an entry for this variant (Variation ID: 1320358). For these reasons, this variant has been classified as Pathogenic.

ARUP Laboratories, Molecular Genetics and Genomics, ARUP Laboratories
Classification: Uncertain significance. Last evaluated: 2023-09-20. Review status: criteria provided, single submitter. Criteria: ARUP Molecular Germline Variant Investigation Process 2024. Collection method: clinical testing. Allele origin: germline.
Comment: The MYLK c.3393dup; p.Thr1132AspfsTer32 variant, to our knowledge, is not reported in the medical literature but is reported in ClinVar (Variation ID: 1320358). This variant is also absent from the Genome Aggregation Database, indicating it is not a common polymorphism. This variant causes a frameshift by inserting a single nucleotide, so it is predicted to result in a truncated protein or mRNA subject to nonsense-mediated decay. However, because loss-of-function variants are not an established mechanism of disease for MYLK, the clinical significance of this variant is uncertain at this time.

Literature cited by the submitters: PubMed 21055718 (cited by Labcorp Genetics (formerly Invitae), Labcorp).